The following is an entry in ClinVar:

NM_004385.5(VCAN):c.5576C>A (p.Ala1859Glu)

Genes: VCAN-AS1 (VCAN antisense RNA 1; minus strand), VCAN (versican; plus strand). Cytogenetic location: 5q14.3.
Variant type: single nucleotide variant.
Coding change: c.5576C>A on transcript NM_004385.5 (MANE Select); coding-DNA position 5576, C replaced by A.
Protein change: p.Ala1859Glu; replaces alanine 1859 with glutamic acid.
Molecular consequence: missense variant. On other transcripts: intron variant (2).
Genome position (GRCh38, 1-based): chr5:83,538,579, C>A. VCF-style: chr5-83538579-C-A. GRCh37 (hg19) VCF-style: chr5-82834398-C-A.
Other names: c.2615C>A, p.Ala872Glu (NM_001164097.2); c.4004-6958C>A (NM_001164098.2); c.1043-6958C>A (NM_001126336.3); short protein forms A1859E, A872E.
Identifiers: ClinVar variation 259368 (VCV000259368.17), dbSNP rs34050047, ClinGen allele CA3333350.
Genomic context (GRCh38, chr5:83,538,579, plus strand): 5'-AAGCTGCTGCCGACCCAGAAACCACCACTGTTTCTTCATTTTCATTAAACGTAGAGTATG[C>A]AATTCAAGCCGAAAAGGAAGTAGCTGGCACTTTGTCTCCGCATGTGGAAACTACATTCTC-3'
Protein context (NP_004376.2, residues 1849-1869): VSSFSLNVEY[Ala1859Glu]IQAEKEVAGT

ClinVar aggregate classification (germline): Benign. Review status: criteria provided, multiple submitters, no conflicts (2 of 4 stars). 3 submissions from 3 submitters: Benign (3). Last evaluated 2026-02-02.

Conditions:
Vitreoretinopathy. Also called: Vitreoretinal degeneration. Identifiers: MedGen C0344290, MONDO:0020248, HP:0007773.

Allele frequency attached by ClinVar (database versions not stated): ExAC 0.00356; 1000 Genomes Project 0.01058; 1000 Genomes Project 30x 0.01187; gnomAD 0.01240 and 0.01316; ESP Exome Variant Server 0.01323; TOPMed 0.01350.
gnomAD v4.1: 3,760 of 1,613,974 alleles (0.23%); highest among the groups gnomAD compares: African/African-American, 4.4%; 88 homozygotes.

Submissions (3):

Labcorp Genetics (formerly Invitae), Labcorp
Classification: Benign. Last evaluated: 2026-02-02. Review status: criteria provided, single submitter. Criteria: Invitae Variant Classification Sherloc (09022015). Collection method: clinical testing. Allele origin: germline.

Illumina Laboratory Services, Illumina
Classification: Benign for Vitreoretinopathy. Last evaluated: 2018-01-13. Review status: criteria provided, single submitter. Criteria: ICSL Variant Classification Criteria 13 December 2019. Collection method: clinical testing. Allele origin: germline.
Comment: This variant was observed in the ICSL laboratory as part of a predisposition screen in an ostensibly healthy population. It had not been previously curated by ICSL or reported in the Human Gene Mutation Database (HGMD: prior to June 1st, 2018), and was therefore a candidate for classification through an automated scoring system. Utilizing variant allele frequency, disease prevalence and penetrance estimates, and inheritance mode, an automated score was calculated to assess if this variant is too frequent to cause the disease. Based on the score and internal cut-off values, a variant classified as benign is not then subjected to further curation. The score for this variant resulted in a classification of benign for this disease.

PreventionGenetics, part of Exact Sciences
Classification: Benign. Review status: criteria provided, single submitter. Criteria: ACMG Guidelines, 2015. Collection method: clinical testing. Allele origin: germline.